The following is an entry in ClinVar:

ClinVar aggregate classification (germline): Uncertain significance (1 of 4 stars; one submission).

Conditions:
PKD1-related disorder. Also called: PKD1-related condition.

Allele frequency attached by ClinVar (database versions not stated): gnomAD exomes below 0.00001; ExAC 0.00002.
gnomAD v4.1: 4 of 1,611,826 alleles (0.00025%); highest among the groups gnomAD compares: African/African-American, 0.0013%; no homozygotes.

Submission:

PreventionGenetics, part of Exact Sciences
Classification: Uncertain significance for PKD1-related condition. Last evaluated: 2022-11-04. Review status: criteria provided, single submitter. Criteria: ACMG Guidelines, 2015. Collection method: clinical testing. Allele origin: germline.
Comment: The PKD1 c.4307G>A variant is predicted to result in the amino acid substitution p.Arg1436Gln. To our knowledge, this variant has not been reported in the literature. This variant is reported in 0.0063% of alleles in individuals of African descent in gnomAD. At this time, the clinical significance of this variant is uncertain due to the absence of conclusive functional and genetic evidence.

NM_001009944.3(PKD1):c.4307G>A (p.Arg1436Gln)

Gene: PKD1 (polycystin 1, transient receptor potential channel interacting; minus strand). Cytogenetic location: 16p13.3.
Variant type: single nucleotide variant.
Coding change: c.4307G>A on transcript NM_001009944.3 (MANE Select); coding-DNA position 4307, G replaced by A.
Protein change: p.Arg1436Gln; replaces arginine 1436 with glutamine.
Molecular consequence: missense variant.
Genome position (GRCh38, 1-based): chr16:2,110,860, C>T on the plus strand (G>A on the coding strand, the complement: PKD1 is on the minus strand). VCF-style: chr16-2110860-C-T. GRCh37 (hg19) VCF-style: chr16-2160861-C-T.
Other names: c.4307G>A, p.Arg1436Gln (NM_000296.4); short protein forms R1436Q.
Identifiers: ClinVar variation 2635328 (VCV002635328.1), dbSNP rs773102552, ClinGen allele CA7832415.